The following is an entry in ClinVar:

ClinVar aggregate classification (germline): Uncertain significance (1 of 4 stars; one submission).

gnomAD v4.1: 1 of 1,614,028 alleles (0.000062%); highest among the groups gnomAD compares: Non-Finnish European, 0.000085%; no homozygotes.

Submission:

Labcorp Genetics (formerly Invitae), Labcorp
Classification: Uncertain significance. Last evaluated: 2024-11-15. Review status: criteria provided, single submitter. Criteria: Invitae Variant Classification Sherloc (09022015). Collection method: clinical testing. Allele origin: germline.
Comment: This sequence change replaces isoleucine, which is neutral and non-polar, with valine, which is neutral and non-polar, at codon 135 of the SLC7A14 protein (p.Ile135Val). This variant is not present in population databases (gnomAD no frequency). This variant has not been reported in the literature in individuals affected with SLC7A14-related conditions. An algorithm developed to predict the effect of missense changes on protein structure and function (PolyPhen-2) suggests that this variant is likely to be disruptive. In summary, the available evidence is currently insufficient to determine the role of this variant in disease. Therefore, it has been classified as a Variant of Uncertain Significance.

NM_020949.3(SLC7A14):c.403A>G (p.Ile135Val)

Genes: SLC7A14 (solute carrier family 7 member 14; minus strand), SLC7A14-AS1 (SLC7A14 antisense RNA 1; plus strand). Cytogenetic location: 3q26.2.
Variant type: single nucleotide variant.
Coding change: c.403A>G on transcript NM_020949.3 (MANE Select); coding-DNA position 403, A replaced by G.
Protein change: p.Ile135Val; replaces isoleucine 135 with valine.
Molecular consequence: missense variant.
Genome position (GRCh38, 1-based): chr3:170,501,247, T>C on the plus strand (A>G on the coding strand, the complement: SLC7A14 is on the minus strand). VCF-style: chr3-170501247-T-C. GRCh37 (hg19) VCF-style: chr3-170219036-T-C.
Other names: short protein forms I135V.
Identifiers: ClinVar variation 3674143 (VCV003674143.2).